The following is an entry in ClinVar:

ClinVar aggregate classification (germline): Pathogenic (0 of 4 stars; one submission).

Conditions:
Pyruvate dehydrogenase E1-alpha deficiency (PDHAD). Also called: ATAXIA, INTERMITTENT, WITH PYRUVATE DEHYDROGENASE DEFICIENCY; ATAXIA WITH LACTIC ACIDOSIS I; ATAXIA, INTERMITTENT, WITH ABNORMAL PYRUVATE METABOLISM; Ataxia, intermittent, with pyruvate dehydrogenase, or decarboxylase, deficiency. Identifiers: Orphanet 79243, MedGen C1839413, MONDO:0010717, OMIM 312170.

Submission:

PDHA1 Study Group, University Children’s Hospital, Paracelsus Medical University
Classification: Pathogenic for Pyruvate dehydrogenase E1-alpha deficiency. Last evaluated: 2024-10-15. Review status: no assertion criteria provided. Collection method: research. Allele origin: de novo. Affected: yes. Observed: 1 variant allele.
Comment: The NM_000284.3:c.1144C>T (p.Gln382Ter) change is a nonsense variant in PDHA1 gene. This variant is predicted to escape nonsense-mediated decay (NMD). Among them, 1 case had confirmed de novo occurrence. The variant has been reported in 1 published case (PMIDs: 37160702). Last literature search: July 12, 2024. This variant is absent or extremely rare in population-based cohorts in the Genome Aggregation Database (gnomAD). Individuals harboring this variant presented with clinical features compatible with PDHA1-related PDHc deficiency. In summary, this variant meets criteria to be classified as pathogenic (P) for PDHA1-related PDHc deficiency based on the ACMG/AMP criteria applied: PS2, PM1, PM2, PM4 (last assessment October 15, 2024).

Literature cited by the submitters: PubMed 37160702; DOI 10.1093/brain/awaf430.

NM_000284.4(PDHA1):c.1144C>T (p.Gln382Ter)

Gene: PDHA1 (pyruvate dehydrogenase E1 subunit alpha 1; plus strand). Cytogenetic location: Xp22.12.
Variant type: single nucleotide variant.
Coding change: c.1144C>T on transcript NM_000284.4 (MANE Select); coding-DNA position 1144, C replaced by T.
Protein change: p.Gln382Ter; replaces glutamine 382 with a stop codon.
Molecular consequence: nonsense.
Genome position (GRCh38, 1-based): chrX:19,359,624, C>T. VCF-style: chrX-19359624-C-T. GRCh37 (hg19) VCF-style: chrX-19377742-C-T.
Other names: c.1258C>T, p.Gln420Ter (NM_001173454.2); c.1165C>T, p.Gln389Ter (NM_001173455.2); c.1051C>T, p.Gln351Ter (NM_001173456.2); short protein forms Q351*, Q382*, Q389*, Q420*.
Identifiers: ClinVar variation 4070475 (VCV004070475.1).